The following is an entry in ClinVar:

NM_001737.5(C9):c.1627A>G (p.Lys543Glu)

Gene: C9 (complement C9; minus strand). Cytogenetic location: 5p13.1.
Variant type: single nucleotide variant.
Coding change: c.1627A>G on transcript NM_001737.5 (MANE Select); coding-DNA position 1627, A replaced by G.
Protein change: p.Lys543Glu; replaces lysine 543 with glutamic acid.
Molecular consequence: missense variant.
Genome position (GRCh38, 1-based): chr5:39,288,741, T>C on the plus strand (A>G on the coding strand, the complement: C9 is on the minus strand). VCF-style: chr5-39288741-T-C. GRCh37 (hg19) VCF-style: chr5-39288843-T-C.
Other names: c.1627A>G (NM_001737.3); short protein forms K543E.
Identifiers: ClinVar variation 1051119 (VCV001051119.9), dbSNP rs988475156, ClinGen allele CA117588167.

ClinVar aggregate classification (germline): Uncertain significance. Review status: criteria provided, multiple submitters, no conflicts (2 of 4 stars). 2 submissions from 2 submitters: Uncertain significance (2). Last evaluated 2025-12-09.

Conditions:
Inborn genetic diseases. Identifiers: MedGen C0950123, MeSH D030342.

Allele frequency attached by ClinVar (database versions not stated): gnomAD exomes below 0.00001; gnomAD 0.00002 and 0.00003; TOPMed 0.00011.
gnomAD v4.1: 8 of 1,609,094 alleles (0.0005%); highest among the groups gnomAD compares: Admixed American, 0.0067%; no homozygotes.

Submissions (2):

Labcorp Genetics (formerly Invitae), Labcorp
Classification: Uncertain significance. Last evaluated: 2025-12-09. Review status: criteria provided, single submitter. Criteria: Invitae Variant Classification Sherloc (09022015). Collection method: clinical testing. Allele origin: germline.
Comment: This sequence change replaces lysine, which is basic and polar, with glutamic acid, which is acidic and polar, at codon 543 of the C9 protein (p.Lys543Glu). The frequency data for this variant in the population databases is considered unreliable, as metrics indicate poor data quality at this position in the gnomAD database. This variant has not been reported in the literature in individuals affected with C9-related conditions. ClinVar contains an entry for this variant (Variation ID: 1051119). Invitae Evidence Modeling of protein sequence and biophysical properties (such as structural, functional, and spatial information, amino acid conservation, physicochemical variation, residue mobility, and thermodynamic stability) indicates that this missense variant is not expected to disrupt C9 protein function with a negative predictive value of 80%. In summary, the available evidence is currently insufficient to determine the role of this variant in disease. Therefore, it has been classified as a Variant of Uncertain Significance.

Ambry Genetics
Classification: Uncertain significance for Inborn genetic diseases. Last evaluated: 2022-11-17. Review status: criteria provided, single submitter. Criteria: Ambry Variant Classification Scheme 2023. Collection method: clinical testing. Allele origin: germline.